The following is an entry in ClinVar:

ClinVar aggregate classification (germline): Uncertain significance (1 of 4 stars; one submission).

Conditions:
Primary ciliary dyskinesia. Also called: Ciliary dyskinesia. Identifiers: Orphanet 244, MedGen C0008780, MONDO:0016575, HP:0012265.

gnomAD v4.1: 7 of 1,614,170 alleles (0.00043%); highest among the groups gnomAD compares: South Asian, 0.0077%; no homozygotes.

Submission:

Labcorp Genetics (formerly Invitae), Labcorp
Classification: Uncertain significance for Primary ciliary dyskinesia. Last evaluated: 2020-07-23. Review status: criteria provided, single submitter. Criteria: Invitae Variant Classification Sherloc (09022015). Collection method: clinical testing. Allele origin: germline.
Comment: This sequence change replaces proline with serine at codon 3 of the DNAI1 protein (p.Pro3Ser). The proline residue is weakly conserved and there is a moderate physicochemical difference between proline and serine. This variant is not present in population databases (ExAC no frequency). This variant has not been reported in the literature in individuals with DNAI1-related disease. Algorithms developed to predict the effect of missense changes on protein structure and function output the following: SIFT: "Tolerated"; PolyPhen-2: "Benign"; Align-GVGD: "Class C0". The serine amino acid residue is found in multiple mammalian species, suggesting that this missense change does not adversely affect protein function. These predictions have not been confirmed by published functional studies and their clinical significance is uncertain. In summary, the available evidence is currently insufficient to determine the role of this variant in disease. Therefore, it has been classified as a Variant of Uncertain Significance.

NM_012144.4(DNAI1):c.7C>T (p.Pro3Ser)

Gene: DNAI1 (dynein axonemal intermediate chain 1; plus strand). Cytogenetic location: 9p13.3.
Variant type: single nucleotide variant.
Coding change: c.7C>T on transcript NM_012144.4 (MANE Select); coding-DNA position 7, C replaced by T.
Protein change: p.Pro3Ser; replaces proline 3 with serine.
Molecular consequence: missense variant.
Genome position (GRCh38, 1-based): chr9:34,459,012, C>T. VCF-style: chr9-34459012-C-T. GRCh37 (hg19) VCF-style: chr9-34459010-C-T.
Other names: c.7C>T, p.Pro3Ser (NM_001281428.2); short protein forms P3S.
Identifiers: ClinVar variation 2139423 (VCV002139423.1), dbSNP rs762886409, ClinGen allele CA373247717.
Genomic context (GRCh38, chr9:34,459,012, plus strand): 5'-CAAACTTTTTGTCTTCAGACGAGGGAGCGTTTTGTAGGCTCTCCAGGGGTTGAGATGATT[C>T]CTGCTTCTGCGAAGGCTCCCCATAAACAGCCTCATAAGCAGGTAACGTACGCACACCTTC-3'
Protein context (NP_036276.1, residues 1-13): MI[Pro3Ser]ASAKAPHKQP